The following is an entry in ClinVar:

NM_001377.3(DYNC2H1):c.9820-8del

Gene: DYNC2H1 (dynein cytoplasmic 2 heavy chain 1; plus strand). Cytogenetic location: 11q22.3.
Variant type: Deletion.
Coding change: c.9820-8del on transcript NM_001377.3 (MANE Select); 8 bases into the intron before coding-DNA position 9820, one base deleted (T; older notation c.9820-8delT).
Molecular consequence: intron variant.
Genome position (GRCh38, 1-based): chr11:103,243,685, T deleted; the last of 8 consecutive T bases (chr11:103,243,678-103,243,685); deleting any one gives the same sequence. VCF-style (leftmost placement, unchanged base first): chr11-103243677-CT-C. GRCh37 (hg19) VCF-style: chr11-103114406-CT-C.
Other names: c.9841-8delT (NM_001080463.1); c.9841-8del (NM_001080463.2).
Identifiers: ClinVar variation 2717586 (VCV002717586.5), dbSNP rs771451646, ClinGen allele CA6254807.
Genomic context (GRCh38, chr11:103,243,677, plus strand): 5'-TTCTAGAAAACTATTTCCATTTAAATGAAAGCTTATAATCATTAAAAAACATTACTTTTC[CT>C]TTTTTTTATACTAGAGTCGAGTGTGCCCATTTCTTATAGATCCTTCTTCCCAAGCTACAG-3'

ClinVar aggregate classification (germline): Benign. Review status: criteria provided, single submitter (1 of 4 stars). 2 submissions from 2 submitters: Benign (1). 1 of the submissions does not count toward it. Last evaluated 2024-01-04.

Conditions:
DYNC2H1-related disorder. Also called: DYNC2H1-related disorders; DYNC2H1-related condition. Identifiers: MedGen CN378770.
Jeune thoracic dystrophy. Also called: Jeune syndrome; Infantile thoracic dystrophy; Thoracic pelvic phalangeal dystrophy; Jeune's syndrome; Chondroectodermal dysplasia-like syndrome; Short-rib thoracic dysplasia. Identifiers: Orphanet 474, MedGen C0265275, MONDO:0018770.

Submissions (2):

Labcorp Genetics (formerly Invitae), Labcorp
Classification: Benign for Jeune thoracic dystrophy. Last evaluated: 2024-01-04. Review status: criteria provided, single submitter. Criteria: Invitae Variant Classification Sherloc (09022015). Collection method: clinical testing. Allele origin: germline.

PreventionGenetics, part of Exact Sciences
Classification: Likely benign for DYNC2H1-related condition. Last evaluated: 2023-12-27. Review status: no assertion criteria provided. Collection method: clinical testing. Allele origin: germline. Not counted in ClinVar's aggregate classification.
Comment: This variant is classified as likely benign based on ACMG/AMP sequence variant interpretation guidelines (Richards et al. 2015 PMID: 25741868, with internal and published modifications).